The following is an entry in ClinVar:

ClinVar aggregate classification (germline): Uncertain significance (1 of 4 stars; one submission).

Submission:

Labcorp Genetics (formerly Invitae), Labcorp
Classification: Uncertain significance. Last evaluated: 2025-12-08. Review status: criteria provided, single submitter. Criteria: Invitae Variant Classification Sherloc (09022015). Collection method: clinical testing. Allele origin: germline.
Comment: This variant, c.754_762del, results in the deletion of 3 amino acid(s) of the CDK13 protein (p.Ser252_Ser254del), but otherwise preserves the integrity of the reading frame. This variant is present in population databases (no rsID available, gnomAD 0.009%). This variant has not been reported in the literature in individuals affected with CDK13-related conditions. Experimental studies and prediction algorithms are not available or were not evaluated, and the functional significance of this variant is currently unknown. In summary, the available evidence is currently insufficient to determine the role of this variant in disease. Therefore, it has been classified as a Variant of Uncertain Significance.

NM_003718.5(CDK13):c.748AGC[2] (p.Ser252_Ser254del)

Gene: CDK13 (cyclin dependent kinase 13; plus strand). Cytogenetic location: 7p14.1.
Variant type: Microsatellite.
Coding change: c.748AGC[2] on transcript NM_003718.5 (MANE Select); two copies in a row of the 3-base unit AGC starting at c.748; the reference has five copies in a row; three copies, 9 bases deleted.
Protein change: p.Ser252_Ser254del.
Molecular consequence: inframe indel (on NM_031267.4).
Genome position (GRCh38, 1-based): chr7:39,951,395-39,951,403, AGCAGCAGC deleted; deleting any 9 consecutive bases within chr7:39,951,387-39,951,403 gives the same sequence; the position shown is the placement nearest the transcript's 3' end. VCF-style (leftmost placement, unchanged base first): chr7-39951386-GGCAGCAGCA-G. GRCh37 (hg19) VCF-style: chr7-39990985-GGCAGCAGCA-G.
Other names: c.748_750AGC[2], p.Ser252_Ser254del (NM_031267.4).
Identifiers: ClinVar variation 2885843 (VCV002885843.3), dbSNP rs746568580, ClinGen allele CA574230816.